The following is an entry in ClinVar:

ClinVar aggregate classification (germline): Pathogenic (0 of 4 stars; one submission).

Conditions:
Cholestanol storage disease (CTX). Also called: CEREBRAL CHOLESTERINOSIS; Cerebrotendinous Xanthomatosis; CTX: Cerebrotendinous xanthomatosis. Identifiers: Orphanet 909, MedGen C0238052, MONDO:0008948, OMIM 213700.

Submission:

GeneReviews
Classification: Pathogenic for Cerebrotendinous Xanthomatosis. Last evaluated: 2013-08-01. Review status: no assertion criteria provided. Collection method: curation. Allele origin: unknown.
ClinVar note: Converted during submission from pathologic to Pathogenic.

c.599C>T

Variant type: single nucleotide variant.
Identifiers: ClinVar variation 65881 (VCV000065881.3).